The following is an entry in ClinVar:

ClinVar aggregate classification (germline): Uncertain significance. Review status: criteria provided, multiple submitters, no conflicts (2 of 4 stars). 2 submissions from 2 submitters: Uncertain significance (2). Last evaluated 2024-07-25.

Conditions:
Cardiovascular phenotype. Identifiers: MedGen CN230736.
Arrhythmogenic cardiomyopathy with wooly hair and keratoderma. Also called: PALMOPLANTAR KERATODERMA WITH LEFT VENTRICULAR CARDIOMYOPATHY AND WOOLLY HAIR; Carvajal syndrome; Dilated cardiomyopathy with woolly hair and keratoderma; Arrhythmogenic cardiomyopathy with woolly hair and keratoderma. Identifiers: Orphanet 65282, MedGen C1854063, MONDO:0011581, OMIM 605676.

Submissions (2):

Ambry Genetics
Classification: Uncertain significance for Cardiovascular phenotype. Last evaluated: 2024-07-25. Review status: criteria provided, single submitter. Criteria: Ambry Variant Classification Scheme 2023. Collection method: clinical testing. Allele origin: germline.
Comment: The p.K1056Q variant (also known as c.3166A>C), located in coding exon 23 of the DSP gene, results from an A to C substitution at nucleotide position 3166. The lysine at codon 1056 is replaced by glutamine, an amino acid with similar properties. This amino acid position is conserved. In addition, the in silico prediction for this alteration is inconclusive. Based on the available evidence, the clinical significance of this variant remains unclear.

All of Us Research Program, National Institutes of Health
Classification: Uncertain significance for Arrhythmogenic cardiomyopathy with wooly hair and keratoderma. Last evaluated: 2023-10-02. Review status: criteria provided, single submitter. Criteria: ACMG Guidelines, 2015. Collection method: clinical testing. Allele origin: germline. Inheritance: Autosomal dominant inheritance. Observed: 1 variant allele, 1 heterozygote.
Comment: This missense variant replaces lysine with glutamine at codon 1056 of the DSP protein. Computational prediction suggests that this variant may not impact protein structure and function (internally defined REVEL score threshold <= 0.5, PMID: 27666373). To our knowledge, functional studies have not been reported for this variant. This variant has not been reported in individuals affected with DSP-related disorders in the literature. This variant has not been identified in the general population by the Genome Aggregation Database (gnomAD). The available evidence is insufficient to determine the role of this variant in disease conclusively. Therefore, this variant is classified as a Variant of Uncertain Significance.

This study involves interpretation of variants in research participants for the purpose of population health screening. Participant phenotype was not available at the time of variant classification. Additional details can be found in publication PMID: 35346344, PMCID: PMC8962531

NM_004415.4(DSP):c.3166A>C (p.Lys1056Gln)

Gene: DSP (desmoplakin; plus strand). Cytogenetic location: 6p24.3.
Variant type: single nucleotide variant.
Coding change: c.3166A>C on transcript NM_004415.4 (MANE Select); coding-DNA position 3166, A replaced by C.
Protein change: p.Lys1056Gln; replaces lysine 1056 with glutamine.
Molecular consequence: missense variant.
Genome position (GRCh38, 1-based): chr6:7,579,356, A>C. VCF-style: chr6-7579356-A-C. GRCh37 (hg19) VCF-style: chr6-7579589-A-C.
Other names: c.3166A>C, p.Lys1056Gln (NM_001008844.3, NM_001319034.2); short protein forms K1056Q.
Identifiers: ClinVar variation 3073609 (VCV003073609.2), dbSNP rs2533922479, ClinGen allele CA362683187.